The following is an entry in ClinVar:

NM_000359.3(TGM1):c.2066G>A (p.Arg689His)

Gene: TGM1 (transglutaminase 1; minus strand). Cytogenetic location: 14q12.
Variant type: single nucleotide variant.
Coding change: c.2066G>A on transcript NM_000359.3 (MANE Select); coding-DNA position 2066, G replaced by A.
Protein change: p.Arg689His; replaces arginine 689 with histidine.
Molecular consequence: missense variant.
Genome position (GRCh38, 1-based): chr14:24,254,686, C>T on the plus strand (G>A on the coding strand, the complement: TGM1 is on the minus strand). VCF-style: chr14-24254686-C-T. GRCh37 (hg19) VCF-style: chr14-24723892-C-T.
Other names: short protein forms R689H.
Identifiers: ClinVar variation 554229 (VCV000554229.4), dbSNP rs764380548, ClinGen allele CA7130913.

ClinVar aggregate classification (germline): Uncertain significance. Review status: criteria provided, multiple submitters, no conflicts (2 of 4 stars). 3 submissions from 3 submitters: Uncertain significance (2). 1 of the submissions does not count toward it. Last evaluated 2024-07-31.

Conditions:
Autosomal recessive congenital ichthyosis 1 (LI1). Also called: ICHTHYOSIS, CONGENITAL, AUTOSOMAL RECESSIVE 1, WITH BATHING SUIT DISTRIBUTION; ICHTHYOSIS, CONGENITAL, AUTOSOMAL RECESSIVE 1, WITH OR WITHOUT BATHING SUIT DISTRIBUTION; COLLODION FETUS; DESQUAMATION OF NEWBORN; ICHTHYOSIS CONGENITA; ICHTHYOSIS CONGENITA II. Identifiers: MedGen C4551630, MONDO:0009441, OMIM 242300.

Allele frequency attached by ClinVar (database versions not stated): ExAC 0.00002; gnomAD exomes 0.00002; gnomAD 0.00004; TOPMed 0.00005.
gnomAD v4.1: 30 of 1,613,814 alleles (0.0019%); highest among the groups gnomAD compares: African/African-American, 0.021%; no homozygotes.

Submissions (3):

Women's Health and Genetics/Laboratory Corporation of America, LabCorp
Classification: Uncertain significance. Last evaluated: 2024-07-31. Review status: criteria provided, single submitter. Criteria: LabCorp Variant Classification Summary - May 2015. Collection method: clinical testing. Allele origin: germline.
Comment: Variant summary: TGM1 c.2066G>A (p.Arg689His) results in a non-conservative amino acid change in the encoded protein sequence. Three of five in-silico tools predict a damaging effect of the variant on protein function. The variant allele was found at a frequency of 1.6e-05 in 251132 control chromosomes. The available data on variant occurrences in the general population are insufficient to allow any conclusion about variant significance. c.2066G>A has been reported in the literature in the compound heterozygous state in at least one individual affected with congenital ichthyosis (e.g. Herman_2009). These data do not allow any conclusion about variant significance. To our knowledge, no experimental evidence demonstrating an impact on protein function has been reported. The following publication have been ascertained in the context of this evaluation (PMID: 19241467). ClinVar contains an entry for this variant (Variation ID: 554229). Based on the evidence outlined above, the variant was classified as uncertain significance.

Breakthrough Genomics
Classification: Uncertain significance. Review status: criteria provided, single submitter. Criteria: ACMG Guidelines, 2015. Collection method: not provided. Allele origin: germline. Inheritance: Autosomal recessive inheritance. Affected: yes.

Counsyl
Classification: Uncertain significance for Autosomal recessive congenital ichthyosis 1. Last evaluated: 2017-10-03. Review status: no assertion criteria provided. Collection method: clinical testing. Allele origin: unknown. Not counted in ClinVar's aggregate classification.

Literature cited by the submitters: PubMed 19241467 (cited by Women's Health and Genetics/Laboratory Corporation of America, LabCorp and Counsyl).